The following is an entry in ClinVar:

NM_031475.3(ESPN):c.2374G>T (p.Asp792Tyr)

Gene: ESPN (espin; plus strand). Cytogenetic location: 1p36.31.
Variant type: single nucleotide variant.
Coding change: c.2374G>T on transcript NM_031475.3 (MANE Select); coding-DNA position 2374, G replaced by T.
Protein change: p.Asp792Tyr; replaces aspartic acid 792 with tyrosine.
Molecular consequence: missense variant.
Genome position (GRCh38, 1-based): chr1:6,457,232, G>T. VCF-style: chr1-6457232-G-T. GRCh37 (hg19) VCF-style: chr1-6517292-G-T.
Other names: c.2284G>T, p.Asp762Tyr (NM_001367473.1); c.2311G>T, p.Asp771Tyr (NM_001367474.1); short protein forms D771Y, D762Y, D792Y.
Identifiers: ClinVar variation 5008369 (VCV005008369.1).

ClinVar aggregate classification (germline): Uncertain significance (1 of 4 stars; one submission).

gnomAD v4.1: 1 of 1,613,418 alleles (0.000062%); highest among the groups gnomAD compares: Non-Finnish European, 0.000085%; no homozygotes.

Submission:

GeneDx
Classification: Uncertain significance. Last evaluated: 2026-03-05. Review status: criteria provided, single submitter. Criteria: GeneDx Variant Classification Process June 2021. Collection method: clinical testing. Allele origin: germline.
Comment: Not observed at significant frequency in large population cohorts (gnomAD); In silico analysis supports that this missense variant has a deleterious effect on protein structure/function; Has not been previously published as pathogenic or benign to our knowledge